The following is an entry in ClinVar:

NM_001365536.1(SCN9A):c.3838T>A (p.Tyr1280Asn)

Genes: SCN1A-AS1 (SCN1A and SCN9A antisense RNA 1; plus strand), SCN9A (sodium voltage-gated channel alpha subunit 9; minus strand). Cytogenetic location: 2q24.3.
Variant type: single nucleotide variant.
Coding change: c.3838T>A on transcript NM_001365536.1 (MANE Select); coding-DNA position 3838, T replaced by A.
Protein change: p.Tyr1280Asn; replaces tyrosine 1280 with asparagine.
Molecular consequence: missense variant.
Genome position (GRCh38, 1-based): chr2:166,233,426, A>T on the plus strand (T>A on the coding strand, the complement: SCN9A is on the minus strand). VCF-style: chr2-166233426-A-T. GRCh37 (hg19) VCF-style: chr2-167089936-A-T.
Other names: c.3805T>A, p.Tyr1269Asn (NM_002977.4); short protein forms Y1269N, Y1280N.
Identifiers: ClinVar variation 1492927 (VCV001492927.8), dbSNP rs1695182448, ClinGen allele CA349066613.
Genomic context (GRCh38, chr2:166,233,426, plus strand): 5'-CTCTTAGAGGTCTTAAAGCTCTCAGTGTCCGAAGGGATTTAATGGGGCCAAGATCTGAGT[A>T]GCCAAGAGTGTTTGCCACTAAAGTAACCAAAGAAACCTATAAAAATAACATTTTCATTAA-3'
Protein context (NP_001352465.1, residues 1270-1290): LVTLVANTLG[Tyr1280Asn]SDLGPIKSLR

ClinVar aggregate classification (germline): Uncertain significance (1 of 4 stars; one submission).

Conditions:
Generalized epilepsy with febrile seizures plus, type 7 (GEFSP7). Also called: GEFS+, TYPE 7. Identifiers: Orphanet 36387, MedGen C2751778, MONDO:0013470, OMIM 613863.
Neuropathy, hereditary sensory and autonomic, type 2A (HSAN2A). Also called: ACROOSTEOLYSIS, GIACCAI TYPE; ACROOSTEOLYSIS, NEUROGENIC; HSAN IIA; MORVAN DISEASE; NEUROPATHY, CONGENITAL SENSORY; NEUROPATHY, HEREDITARY SENSORY RADICULAR, AUTOSOMAL RECESSIVE. Identifiers: Orphanet 970, MedGen C2752089, MONDO:0024309, OMIM 201300.

Submission:

Labcorp Genetics (formerly Invitae), Labcorp
Classification: Uncertain significance for Neuropathy, hereditary sensory and autonomic, type 2A; Generalized epilepsy with febrile seizures plus, type 7. Last evaluated: 2025-02-24. Review status: criteria provided, single submitter. Criteria: Invitae Variant Classification Sherloc (09022015). Collection method: clinical testing. Allele origin: germline.
Comment: This sequence change replaces tyrosine, which is neutral and polar, with asparagine, which is neutral and polar, at codon 1269 of the SCN9A protein (p.Tyr1269Asn). This variant is not present in population databases (gnomAD no frequency). This variant has not been reported in the literature in individuals affected with SCN9A-related conditions. ClinVar contains an entry for this variant (Variation ID: 1492927). Invitae Evidence Modeling of protein sequence and biophysical properties (such as structural, functional, and spatial information, amino acid conservation, physicochemical variation, residue mobility, and thermodynamic stability) indicates that this missense variant is not expected to disrupt SCN9A protein function with a negative predictive value of 95%. In summary, the available evidence is currently insufficient to determine the role of this variant in disease. Therefore, it has been classified as a Variant of Uncertain Significance.